The following is an entry in ClinVar:

ClinVar aggregate classification (germline): Likely pathogenic. Review status: criteria provided, single submitter (1 of 4 stars). 2 submissions from 2 submitters: Likely pathogenic (1). 1 of the submissions does not count toward it. Last evaluated 2023-05-11.

Conditions:
Ehlers-Danlos syndrome, type 4 (EDSVASC). Also called: Ehlers-Danlos syndrome vascular type; Ehlers Danlos syndrome, ecchymotic type; Ehlers Danlos syndrome, arterial type; Ehlers Danlos syndrome, Sack-Barabas type; Ehlers-Danlos Syndrome Type IV. Identifiers: Orphanet 286, MedGen C0268338, MONDO:0017314, OMIM 130050.

Submissions (2):

Women's Health and Genetics/Laboratory Corporation of America, LabCorp
Classification: Likely pathogenic for Ehlers-Danlos syndrome, type 4. Last evaluated: 2023-05-11. Review status: criteria provided, single submitter. Criteria: LabCorp Variant Classification Summary - May 2015. Collection method: clinical testing. Allele origin: germline.
Comment: Variant summary: Variant summary: COL3A1 c.951+4A>T alters a conserved nucleotide located close to a canonical splice site and therefore could affect mRNA splicing, leading to a significantly altered protein sequence. Several computational tools predict a significant impact on normal splicing: Four predict the variant abolishes the canonical 5' splicing donor site. However, these predictions have yet to be confirmed by published/reported functional studies. The variant was absent in 251244 control chromosomes. c.951+4A>T has been reported in the literature in at-least one individual affected with Ehlers-Danlos Syndrome, Vascular Type (Pepin_2014). To our knowledge, no experimental evidence demonstrating an impact on protein function has been reported. The following publication have been ascertained in the context of this evaluation (PMID: 24922459). No clinical diagnostic laboratories have submitted clinical-significance assessments for this variant to ClinVar after 2014. Although one well recognized diagnostic laboratory specializing in the diagnosis of collagen related disorders has submitted a clinical significance assesment as Pathogenic before 2014. This submitter is the institution that identified the single reported case of this variant in an individual with Ehlers-Danlos Syndrome, Vascular Type ascertained above (Pepin_2014). Based on the evidence outlined above, the variant was classified as likely pathogenic.

Collagen Diagnostic Laboratory, University of Washington
Classification: Pathogenic for Ehlers-Danlos syndrome, type 4. Review status: no assertion criteria provided. Collection method: clinical testing. Allele origin: germline. Affected: yes. Not counted in ClinVar's aggregate classification.

Literature cited by the submitters: PubMed 24922459 (cited by Women's Health and Genetics/Laboratory Corporation of America, LabCorp).

NM_000090.4(COL3A1):c.951+4A>T

Gene: COL3A1 (collagen type III alpha 1 chain; plus strand). Cytogenetic location: 2q32.2.
Variant type: single nucleotide variant.
Coding change: c.951+4A>T on transcript NM_000090.4 (MANE Select); 4 bases into the intron after coding-DNA position 951, A replaced by T.
Molecular consequence: intron variant.
Genome position (GRCh38, 1-based): chr2:188,991,726, A>T. VCF-style: chr2-188991726-A-T. GRCh37 (hg19) VCF-style: chr2-189856452-A-T.
Identifiers: ClinVar variation 101312 (VCV000101312.4), dbSNP rs587779598, ClinGen allele CA007643.